The following is an entry in ClinVar:

ClinVar aggregate classification (germline): Likely benign (1 of 4 stars; one submission).

gnomAD v4.1: 324 of 702,890 alleles (0.046%); highest among the groups gnomAD compares: Middle Eastern, 1.3%; 3 homozygotes.

Submission:

CeGaT Center for Human Genetics Tuebingen
Classification: Likely benign. Last evaluated: 2026-01-01. Review status: criteria provided, single submitter. Criteria: CeGaT Center For Human Genetics Tuebingen Variant Classification Criteria Version 2. Collection method: clinical testing. Allele origin: germline. Affected: yes. Observed: 1 variant allele.
Comment: NAV3: BP4, BP7

NM_001024383.2(NAV3):c.2024-12803A>G

Gene: NAV3 (neuron navigator 3; plus strand). Cytogenetic location: 12q21.2.
Variant type: single nucleotide variant.
Coding change: c.2024-12803A>G on transcript NM_001024383.2 (MANE Select); 12803 bases into the intron before coding-DNA position 2024, A replaced by G.
Molecular consequence: intron variant. On other transcripts: synonymous variant (1).
Genome position (GRCh38, 1-based): chr12:78,037,190, A>G. VCF-style: chr12-78037190-A-G. GRCh37 (hg19) VCF-style: chr12-78430970-A-G.
Other names: c.327A>G, p.Arg109= (NM_001438019.1); c.2024-12803A>G (NM_014903.6).
Identifiers: ClinVar variation 4820911 (VCV004820911.4).
Genomic context (GRCh38, chr12:78,037,190, plus strand): 5'-CCTGCCTGCTGGGGGCAGCCAGTCAGACAGTGAAGACTTAGAGGAATTGTCTGCAAGAAG[A>G]GGCTTGGAAGGTGAGAGTGATGAAGATAGTAGGTCTGAAGATGAAAACGTGTCCTCCAAG-3'